The following is an entry in ClinVar:

NM_015030.2(FRYL):c.3841G>T (p.Glu1281Ter)

Gene: FRYL (FRY like transcription coactivator; minus strand). Cytogenetic location: 4p11.
Variant type: single nucleotide variant.
Coding change: c.3841G>T on transcript NM_015030.2 (MANE Select); coding-DNA position 3841, G replaced by T.
Protein change: p.Glu1281Ter; replaces glutamic acid 1281 with a stop codon.
Molecular consequence: nonsense.
Genome position (GRCh38, 1-based): chr4:48,561,492, C>A on the plus strand (G>T on the coding strand, the complement: FRYL is on the minus strand). VCF-style: chr4-48561492-C-A. GRCh37 (hg19) VCF-style: chr4-48563509-C-A.
Other names: short protein forms E1281*.
Identifiers: ClinVar variation 4669865 (VCV004669865.2).

ClinVar aggregate classification (germline): Uncertain significance (1 of 4 stars; one submission).

Submission:

Ambry Genetics
Classification: Uncertain significance. Last evaluated: 2026-03-30. Review status: criteria provided, single submitter. Criteria: Ambry Variant Classification Scheme 2023. Collection method: clinical testing. Allele origin: germline.
Comment: The c.3841G>T (p.E1281*) alteration, located in exon 33 (coding exon 30) of the FRYL gene, consists of a G to T substitution at nucleotide position 3841. This changes the amino acid from a glutamic acid (E) to a stop codon at amino acid position 1281. This alteration is expected to result in loss of function by premature protein truncation or nonsense-mediated mRNA decay. However, loss of function of FRYL has not been established as a mechanism of disease. This variant was not reported in population-based cohorts in the Genome Aggregation Database (gnomAD). Based on insufficient or conflicting evidence, the clinical significance of this alteration remains unclear.